The following is an entry in ClinVar:

ClinVar aggregate classification (germline): Likely benign (1 of 4 stars; one submission).

Allele frequency attached by ClinVar (database versions not stated): gnomAD 0.00003.
gnomAD v4.1: 29 of 1,551,604 alleles (0.0019%); highest among the groups gnomAD compares: Middle Eastern, 0.017%; no homozygotes.

Submission:

CeGaT Center for Human Genetics Tuebingen
Classification: Likely benign. Last evaluated: 2022-07-01. Review status: criteria provided, single submitter. Criteria: CeGaT Center For Human Genetics Tuebingen Variant Classification Criteria Version 2. Collection method: clinical testing. Allele origin: germline. Affected: yes. Observed: 1 variant allele.
Comment: BPIFB4: BP4, BP7

NM_182519.3(BPIFB4):c.72G>A (p.Thr24=)

Gene: BPIFB4 (BPI fold containing family B member 4; plus strand). Cytogenetic location: 20q11.21.
Variant type: single nucleotide variant.
Coding change: c.72G>A on transcript NM_182519.3 (MANE Select); coding-DNA position 72, G replaced by A.
Protein change: p.Thr24=; no amino-acid change (threonine 24 retained).
Molecular consequence: synonymous variant.
Genome position (GRCh38, 1-based): chr20:33,081,598, G>A. VCF-style: chr20-33081598-G-A. GRCh37 (hg19) VCF-style: chr20-31669404-G-A.
Identifiers: ClinVar variation 2652263 (VCV002652263.24), dbSNP rs1439551576, ClinGen allele CA510222727.